The following is an entry in ClinVar:

ClinVar aggregate classification (germline): Likely benign (1 of 4 stars; one submission).

Conditions:
TBX3-related disorder. Also called: TBX3-related condition.

gnomAD v4.1: 2 of 1,614,112 alleles (0.00012%); highest among the groups gnomAD compares: Admixed American, 0.0017%; no homozygotes.

Submission:

PreventionGenetics, part of Exact Sciences
Classification: Likely benign for TBX3-related condition. Last evaluated: 2026-01-18. Review status: criteria provided, single submitter. Criteria: ACMG Guidelines, 2015. Collection method: clinical testing. Allele origin: germline.
Comment: This variant is classified as likely benign based on ACMG/AMP sequence variant interpretation guidelines (Richards et al. 2015 PMID: 25741868, with internal and published modifications).

NM_005996.4(TBX3):c.561C>T (p.His187=)

Gene: TBX3 (T-box transcription factor 3; minus strand). Cytogenetic location: 12q24.21.
Variant type: single nucleotide variant.
Coding change: c.561C>T on transcript NM_005996.4 (MANE Select); coding-DNA position 561, C replaced by T.
Protein change: p.His187=; no amino-acid change (histidine 187 retained).
Molecular consequence: synonymous variant.
Genome position (GRCh38, 1-based): chr12:114,680,975, G>A on the plus strand (C>T on the coding strand, the complement: TBX3 is on the minus strand). VCF-style: chr12-114680975-G-A. GRCh37 (hg19) VCF-style: chr12-115118780-G-A.
Other names: c.561C>T, p.His187= (NM_016569.4).
Identifiers: ClinVar variation 5002008 (VCV005002008.1).